The following is an entry in ClinVar:

ClinVar aggregate classification (germline): Uncertain significance (1 of 4 stars; one submission).

Conditions:
Familial adenomatous polyposis 1 (FAP1). Also called: FAMILIAL ADENOMATOUS POLYPOSIS 1, ATTENUATED; POLYPOSIS, ADENOMATOUS INTESTINAL. Identifiers: MedGen C2713442, MONDO:0021056, OMIM 175100. Disease mechanism: loss of function.

Submission:

Labcorp Genetics (formerly Invitae), Labcorp
Classification: Uncertain significance for Familial adenomatous polyposis 1. Last evaluated: 2025-07-30. Review status: criteria provided, single submitter. Criteria: Invitae Variant Classification Sherloc (09022015). Collection method: clinical testing. Allele origin: germline.
Comment: This variant occurs in a non-coding region of the APC gene. It does not change the encoded amino acid sequence of the APC protein. This variant is not present in population databases (gnomAD no frequency). This variant has not been reported in the literature in individuals affected with APC-related conditions. Experimental studies and prediction algorithms are not available or were not evaluated, and the functional significance of this variant is currently unknown. In summary, the available evidence is currently insufficient to determine the role of this variant in disease. Therefore, it has been classified as a Variant of Uncertain Significance.

NC_000005.10:g.112707397G>A

Gene: APC (APC regulator of Wnt signaling pathway; plus strand). Cytogenetic location: 5q22.2.
Variant type: single nucleotide variant.
Genome position: GRCh38 VCF-style: chr5-112707397-G-A. GRCh37 (hg19) VCF-style: chr5-112043094-G-A.
Identifiers: ClinVar variation 1027280 (VCV001027280.8), dbSNP rs1554060134, ClinGen allele CA1573442243.